The following is an entry in ClinVar:

GRCh38/hg38 13q12.12(chr13:22943845-24355293)x3

Genes: C1QTNF9 (C1q and TNF related 9; plus strand), C1QTNF9B (C1q and TNF related 9B; minus strand), LINC00327 (long intergenic non-protein coding RNA 327; plus strand), LINC00362 (long intergenic non-protein coding RNA 362; minus strand), LINC00566 (long intergenic non-protein coding RNA 566; plus strand) and 54 more. Cytogenetic location: 13q12.12.
Variant type: copy number gain.
Change: copy number 3 (three copies instead of two) of chr13:22,943,845-24,355,293 (1.41 Mb, GRCh38 coordinates, 1-based), cytogenetic band 13q12.12.
Identifiers: ClinVar variation 149939 (VCV000149939.3).

ClinVar aggregate classification (germline): conflicting data from submitters (0 of 4 stars; one submission).

Submission:

ISCA site 1
Classification: conflicting data from submitters. Last evaluated: 2013-01-25. Review status: no assertion criteria provided. Collection method: clinical testing. Allele origin: maternal. Affected: yes. Observed: 2 variant alleles.
Comment: Uncertain significance(1), Likely benign (1)

Copy number variation identified through the course of routine clinical cytogenomic testing in postnatal populations, with clinical assertions as classified by the original submitter. For data from the original published study, Kaminsky, et al. 2011 (PubMed 21844811), please see nstd101.